The following is an entry in ClinVar:

ClinVar aggregate classification (germline): Uncertain significance (1 of 4 stars; one submission).

Conditions:
Primary ciliary dyskinesia. Also called: Ciliary dyskinesia. Identifiers: Orphanet 244, MedGen C0008780, MONDO:0016575, HP:0012265.

Submission:

Labcorp Genetics (formerly Invitae), Labcorp
Classification: Uncertain significance for Primary ciliary dyskinesia. Last evaluated: 2022-08-31. Review status: criteria provided, single submitter. Criteria: Invitae Variant Classification Sherloc (09022015). Collection method: clinical testing. Allele origin: germline.
Comment: This variant, c.13070_13072del, results in the deletion of 1 amino acid(s) of the DNAH8 protein (p.Lys4357del), but otherwise preserves the integrity of the reading frame. This variant is present in population databases (rs763606080, gnomAD 0.0009%). In summary, the available evidence is currently insufficient to determine the role of this variant in disease. Therefore, it has been classified as a Variant of Uncertain Significance. Experimental studies and prediction algorithms are not available or were not evaluated, and the functional significance of this variant is currently unknown. This variant has not been reported in the literature in individuals affected with DNAH8-related conditions.

NM_001206927.2(DNAH8):c.13067AGA[1] (p.Lys4357del)

Gene: DNAH8 (dynein axonemal heavy chain 8; plus strand). Cytogenetic location: 6p21.2.
Variant type: Microsatellite.
Coding change: c.13067AGA[1] on transcript NM_001206927.2 (MANE Select); one copy of the 3-base unit AGA starting at c.13067; the reference has two copies in a row; one copy, 3 bases deleted.
Protein change: p.Lys4357del; deletes lysine 4357.
Molecular consequence: inframe deletion.
Genome position (GRCh38, 1-based): chr6:38,990,028-38,990,030, AGA deleted; deleting any 3 consecutive bases within chr6:38,990,025-38,990,030 gives the same sequence; the position shown is the placement nearest the transcript's 3' end. VCF-style (leftmost placement, unchanged base first): chr6-38990024-GAGA-G. GRCh37 (hg19) VCF-style: chr6-38957800-GAGA-G.
Other names: c.12416AGA[1], p.Lys4140del (NM_001371.4); short protein forms K4357del, K4140del.
Identifiers: ClinVar variation 2079847 (VCV002079847.4), dbSNP rs763606080, ClinGen allele CA3791567.